The following is an entry in ClinVar:

NM_015909.4(NBAS):c.7101A>G (p.Ala2367=)

Gene: NBAS (NBAS subunit of NRZ tethering complex; minus strand). Cytogenetic location: 2p24.3.
Variant type: single nucleotide variant.
Coding change: c.7101A>G on transcript NM_015909.4 (MANE Select); coding-DNA position 7101, A replaced by G.
Protein change: p.Ala2367=; no amino-acid change (alanine 2367 retained).
Molecular consequence: synonymous variant. On other transcripts: non-coding transcript variant (1).
Genome position (GRCh38, 1-based): chr2:15,167,063, T>C on the plus strand (A>G on the coding strand, the complement: NBAS is on the minus strand). VCF-style: chr2-15167063-T-C. GRCh37 (hg19) VCF-style: chr2-15307187-T-C.
Other names: c.7101A>G (NM_015909.3).
Identifiers: ClinVar variation 1549911 (VCV001549911.21), dbSNP rs559458188, ClinGen allele CA1534768.

ClinVar aggregate classification (germline): Likely benign. Review status: criteria provided, multiple submitters, no conflicts (2 of 4 stars). 4 submissions from 4 submitters: Likely benign (3). 1 of the submissions does not count toward it. Last evaluated 2026-01-26.

Conditions:
NBAS-related disorder. Also called: NBAS-related condition.

Allele frequency attached by ClinVar (database versions not stated): ExAC 0.00004; gnomAD exomes 0.00004 and 0.00015; gnomAD 0.00006; TOPMed 0.00007.
gnomAD v4.1: 226 of 1,588,124 alleles (0.014%); highest among the groups gnomAD compares: Non-Finnish European, 0.019%; no homozygotes.

Submissions (4):

Labcorp Genetics (formerly Invitae), Labcorp
Classification: Likely benign. Last evaluated: 2026-01-26. Review status: criteria provided, single submitter. Criteria: Invitae Variant Classification Sherloc (09022015). Collection method: clinical testing. Allele origin: germline.

CeGaT Center for Human Genetics Tuebingen
Classification: Likely benign. Last evaluated: 2025-04-01. Review status: criteria provided, single submitter. Criteria: CeGaT Center For Human Genetics Tuebingen Variant Classification Criteria Version 2. Collection method: clinical testing. Allele origin: germline. Affected: yes. Observed: 1 variant allele.
Comment: NBAS: BP4, BP7

Blueprint Genetics
Classification: Likely benign. Last evaluated: 2024-11-26. Review status: criteria provided, single submitter. Criteria: ACMG Guidelines, 2015. Collection method: clinical testing. Allele origin: germline.

PreventionGenetics, part of Exact Sciences
Classification: Likely benign for NBAS-related condition. Last evaluated: 2019-04-29. Review status: no assertion criteria provided. Collection method: clinical testing. Allele origin: germline. Not counted in ClinVar's aggregate classification.
Comment: This variant is classified as likely benign based on ACMG/AMP sequence variant interpretation guidelines (Richards et al. 2015 PMID: 25741868, with internal and published modifications).